The following is an entry in ClinVar:

ClinVar aggregate classification (germline): Pathogenic (1 of 4 stars; one submission).

Conditions:
PHEX-related disorder. Also called: PHEX-related condition.

Submission:

PreventionGenetics, part of Exact Sciences
Classification: Pathogenic for PHEX-related condition. Last evaluated: 2022-08-29. Review status: criteria provided, single submitter. Criteria: ACMG Guidelines, 2015. Collection method: clinical testing. Allele origin: germline.
Comment: The PHEX c.958A>T variant is predicted to result in premature protein termination (p.Lys320*). To our knowledge, this variant has not been reported in the literature or in a large population database, indicating this variant is rare. Nonsense variants in PHEX are expected to be pathogenic. This variant is interpreted as pathogenic.

NM_000444.6(PHEX):c.958A>T (p.Lys320Ter)

Gene: PHEX (phosphate regulating endopeptidase X-linked; plus strand). Cytogenetic location: Xp22.11.
Variant type: single nucleotide variant.
Coding change: c.958A>T on transcript NM_000444.6 (MANE Select); coding-DNA position 958, A replaced by T.
Protein change: p.Lys320Ter; replaces lysine 320 with a stop codon.
Molecular consequence: nonsense.
Genome position (GRCh38, 1-based): chrX:22,099,030, A>T. VCF-style: chrX-22099030-A-T. GRCh37 (hg19) VCF-style: chrX-22117148-A-T.
Other names: c.958A>T, p.Lys320Ter (NM_001282754.2); short protein forms K320*.
Identifiers: ClinVar variation 2636562 (VCV002636562.1), dbSNP rs2519779658, ClinGen allele CA412572786.